The following is an entry in ClinVar:

ClinVar aggregate classification (germline): Benign/Likely benign. Review status: criteria provided, multiple submitters, no conflicts (2 of 4 stars). 7 submissions from 7 submitters: Benign (6); Likely benign (1). Last evaluated 2026-01-25.

Conditions:
Hereditary spastic paraplegia. Also called: Familial spastic paraparesis. Identifiers: Orphanet 685, MedGen C0037773, MONDO:0019064. Disease mechanism: loss of function.
Hereditary spastic paraplegia 50 (SPG50). Also called: Spastic paraplegia 50, autosomal recessive. Identifiers: Orphanet 280763, MedGen C2752008, MONDO:0013048, OMIM 612936.

Allele frequency attached by ClinVar (database versions not stated): 1000 Genomes Project 30x 0.00874; 1000 Genomes Project 0.00919; TOPMed 0.01790; gnomAD 0.01840 and 0.01854; ExAC 0.01860; gnomAD exomes 0.01909 and 0.02964; ESP Exome Variant Server 0.02276.
gnomAD v4.1: 46,096 of 1,613,992 alleles (2.9%); highest among the groups gnomAD compares: Non-Finnish European, 3.3%; 834 homozygotes.

Submissions (7):

Labcorp Genetics (formerly Invitae), Labcorp
Classification: Benign for Hereditary spastic paraplegia 50. Last evaluated: 2026-01-25. Review status: criteria provided, single submitter. Criteria: Invitae Variant Classification Sherloc (09022015). Collection method: clinical testing. Allele origin: germline.

Blueprint Genetics
Classification: Likely benign. Last evaluated: 2024-11-27. Review status: criteria provided, single submitter. Criteria: ACMG Guidelines, 2015. Collection method: clinical testing. Allele origin: germline.

Genome Diagnostics Laboratory, The Hospital for Sick Children
Classification: Benign for Hereditary spastic paraplegia. Last evaluated: 2021-11-27. Review status: criteria provided, single submitter. Criteria: ACMG Guidelines, 2015. Collection method: clinical testing. Allele origin: germline. Affected: yes.

Mayo Clinic Laboratories, Mayo Clinic
Classification: Benign. Last evaluated: 2018-01-03. Review status: criteria provided, single submitter. Criteria: ACMG Guidelines, 2015. Collection method: clinical testing. Allele origin: germline. Observed: 43 variant alleles.

GeneDx
Classification: Benign. Last evaluated: 2016-03-01. Review status: criteria provided, single submitter. Criteria: GeneDx Variant Classification (06012015). Collection method: clinical testing. Allele origin: germline. Affected: yes.
Comment: This variant is considered likely benign or benign based on one or more of the following criteria: it is a conservative change, it occurs at a poorly conserved position in the protein, it is predicted to be benign by multiple in silico algorithms, and/or has population frequency not consistent with disease.

Genetic Services Laboratory, University of Chicago
Classification: Benign for AllHighlyPenetrant. Last evaluated: 2013-04-01. Review status: criteria provided, single submitter. Criteria: ACMG Guidelines, 2007. Collection method: clinical testing. Allele origin: germline. Inheritance: Autosomal recessive inheritance.

Breakthrough Genomics
Classification: Benign. Review status: criteria provided, single submitter. Criteria: ACMG Guidelines, 2015. Collection method: not provided. Allele origin: germline. Inheritance: Autosomal recessive inheritance. Affected: yes.

NM_004722.4(AP4M1):c.1305C>T (p.Asn435=)

Gene: AP4M1 (adaptor related protein complex 4 subunit mu 1; plus strand). Cytogenetic location: 7q22.1.
Variant type: single nucleotide variant.
Coding change: c.1305C>T on transcript NM_004722.4 (MANE Select); coding-DNA position 1305, C replaced by T.
Protein change: p.Asn435=; no amino-acid change (asparagine 435 retained).
Molecular consequence: synonymous variant.
Genome position (GRCh38, 1-based): chr7:100,106,825, C>T. VCF-style: chr7-100106825-C-T. GRCh37 (hg19) VCF-style: chr7-99704448-C-T.
Other names: p.Asn435=; c.1326C>T, p.Asn442= (NM_001363671.2).
Identifiers: ClinVar variation 128404 (VCV000128404.21), dbSNP rs4134932, ClinGen allele CA151851.